The following is an entry in ClinVar:

NM_144997.7(FLCN):c.1492G>C (p.Asp498His)

Gene: FLCN (folliculin; minus strand). Cytogenetic location: 17p11.2.
Variant type: single nucleotide variant.
Coding change: c.1492G>C on transcript NM_144997.7 (MANE Select); coding-DNA position 1492, G replaced by C.
Protein change: p.Asp498His; replaces aspartic acid 498 with histidine.
Molecular consequence: missense variant.
Genome position (GRCh38, 1-based): chr17:17,215,031, C>G on the plus strand (G>C on the coding strand, the complement: FLCN is on the minus strand). VCF-style: chr17-17215031-C-G. GRCh37 (hg19) VCF-style: chr17-17118345-C-G.
Other names: c.1546G>C, p.Asp516His (NM_001353229.2); c.1492G>C, p.Asp498His (NM_001353230.2, NM_001353231.2); short protein forms D516H, D498H.
Identifiers: ClinVar variation 2566336 (VCV002566336.6), dbSNP rs2544141394, ClinGen allele CA398530850.
Genomic context (GRCh38, chr17:17,215,031, plus strand): 5'-ACACTGTTGCTTACTTCATCCACTCCTCCTTGAGGCAGACGAGGCACTGGTCCACCACAT[C>G]CACAGACAGGTTCTGGTTGGTCAGAGCCGCTTCAATCTTATTCAGGATGGTGGGGCCCAC-3'
Protein context (NP_659434.2, residues 488-508): AALTNQNLSV[Asp498His]VVDQCLVCLK

ClinVar aggregate classification (germline): Uncertain significance. Review status: criteria provided, multiple submitters, no conflicts (2 of 4 stars). 3 submissions from 3 submitters: Uncertain significance (3). Last evaluated 2024-01-12.

Conditions:
Birt-Hogg-Dube syndrome. Also called: Birt Hogg Dubé syndrome. Identifiers: Orphanet 122, MedGen C0346010, MONDO:0800444.
Birt-Hogg-Dube syndrome 1 (BHD1). Also called: FIBROFOLLICULOMAS WITH TRICHODISCOMAS AND ACROCHORDONS. Identifiers: Orphanet 122, MedGen CN375946, MONDO:0800445, OMIM 135150.
Nonpapillary renal cell carcinoma. Identifiers: Orphanet 422526, MedGen CN074294, MONDO:0007763, OMIM 144700.
Colorectal cancer. Also called: Colorectal cancer, somatic; Malignant Colorectal Neoplasm. Identifiers: MedGen C0346629, MONDO:0005575, OMIM 114500.
Familial spontaneous pneumothorax (PSP). Identifiers: Orphanet 2903, MedGen C1868193, MONDO:0008259, OMIM 173600.
Hereditary cancer-predisposing syndrome. Also called: Neoplastic Syndromes, Hereditary; Hereditary Cancer Syndrome; Tumor predisposition; Hereditary neoplastic syndrome. Identifiers: Orphanet 140162, MedGen C0027672, MeSH D009386, MONDO:0015356.

Submissions (3):

Fulgent Genetics
Classification: Uncertain significance for Colorectal cancer; Birt-Hogg-Dube syndrome 1; Nonpapillary renal cell carcinoma; Familial spontaneous pneumothorax. Last evaluated: 2024-01-12. Review status: criteria provided, single submitter. Criteria: ACMG Guidelines, 2015. Collection method: clinical testing. Allele origin: germline.

Ambry Genetics
Classification: Uncertain significance for Hereditary cancer-predisposing syndrome. Last evaluated: 2023-05-19. Review status: criteria provided, single submitter. Criteria: Ambry Variant Classification Scheme 2023. Collection method: clinical testing. Allele origin: germline.
Comment: The p.D498H variant (also known as c.1492G>C), located in coding exon 10 of the FLCN gene, results from a G to C substitution at nucleotide position 1492. The aspartic acid at codon 498 is replaced by histidine, an amino acid with similar properties. This amino acid position is conserved. In addition, the in silico prediction for this alteration is inconclusive. Since supporting evidence is limited at this time, the clinical significance of this alteration remains unclear.

Labcorp Genetics (formerly Invitae), Labcorp
Classification: Uncertain significance for Birt-Hogg-Dube syndrome. Last evaluated: 2023-01-22. Review status: criteria provided, single submitter. Criteria: Invitae Variant Classification Sherloc (09022015). Collection method: clinical testing. Allele origin: germline.
Comment: This sequence change replaces aspartic acid, which is acidic and polar, with histidine, which is basic and polar, at codon 498 of the FLCN protein (p.Asp498His). In summary, the available evidence is currently insufficient to determine the role of this variant in disease. Therefore, it has been classified as a Variant of Uncertain Significance. Advanced modeling of protein sequence and biophysical properties (such as structural, functional, and spatial information, amino acid conservation, physicochemical variation, residue mobility, and thermodynamic stability) performed at Invitae indicates that this missense variant is not expected to disrupt FLCN protein function. This variant has not been reported in the literature in individuals affected with FLCN-related conditions. This variant is not present in population databases (gnomAD no frequency).